The following is an entry in ClinVar:

ClinVar aggregate classification (germline): Benign/Likely benign. Review status: criteria provided, multiple submitters, no conflicts (2 of 4 stars). 7 submissions from 7 submitters: Benign (2); Likely benign (5). Last evaluated 2026-02-09.

Conditions:
CACNA1C-related disorder. Also called: CACNA1C-related disorders; CACNA1C-related condition. Identifiers: MedGen CN381092, MONDO:0700321.
Cardiovascular phenotype. Identifiers: MedGen CN230736.
Long QT syndrome (LQTS). Identifiers: MedGen C0023976, MeSH D008133, MONDO:0002442. Disease mechanism: loss of function. Inheritance: Various modes of inheritance.

Allele frequency attached by ClinVar (database versions not stated): gnomAD exomes 0.00002 and 0.00010; gnomAD 0.00004 and 0.00005; TOPMed 0.00006; ExAC 0.00008; 1000 Genomes Project 30x 0.00016; 1000 Genomes Project 0.00020.
gnomAD v4.1: 65 of 1,611,972 alleles (0.004%); highest among the groups gnomAD compares: East Asian, 0.065%; no homozygotes.

Submissions (7):

Women's Health and Genetics/Laboratory Corporation of America, LabCorp
Classification: Benign. Last evaluated: 2026-02-09. Review status: criteria provided, single submitter. Criteria: LabCorp Variant Classification Summary - May 2015. Collection method: clinical testing. Allele origin: germline.

Labcorp Genetics (formerly Invitae), Labcorp
Classification: Likely benign for Long QT syndrome. Last evaluated: 2026-02-03. Review status: criteria provided, single submitter. Criteria: Invitae Variant Classification Sherloc (09022015). Collection method: clinical testing. Allele origin: germline.

PreventionGenetics, part of Exact Sciences
Classification: Likely benign for CACNA1C-related condition. Last evaluated: 2025-12-26. Review status: criteria provided, single submitter. Criteria: ACMG Guidelines, 2015. Collection method: clinical testing. Allele origin: germline.
Comment: This variant is classified as likely benign based on ACMG/AMP sequence variant interpretation guidelines (Richards et al. 2015 PMID: 25741868, with internal and published modifications).

CeGaT Center for Human Genetics Tuebingen
Classification: Likely benign. Last evaluated: 2025-10-01. Review status: criteria provided, single submitter. Criteria: CeGaT Center For Human Genetics Tuebingen Variant Classification Criteria Version 2. Collection method: clinical testing. Allele origin: germline. Affected: yes. Observed: 1 variant allele.
Comment: CACNA1C: BP4, BP7

Blueprint Genetics
Classification: Likely benign. Last evaluated: 2024-10-03. Review status: criteria provided, single submitter. Criteria: ACMG Guidelines, 2015. Collection method: clinical testing. Allele origin: germline.

Ambry Genetics
Classification: Likely benign for Cardiovascular phenotype. Last evaluated: 2018-11-30. Review status: criteria provided, single submitter. Criteria: Ambry Variant Classification Scheme 2023. Collection method: clinical testing. Allele origin: germline.

GeneDx
Classification: Benign. Last evaluated: 2013-02-06. Review status: criteria provided, single submitter. Criteria: GeneDx Variant Classification (06012015). Collection method: clinical testing. Allele origin: germline. Affected: yes.
Comment: This variant is considered likely benign or benign based on one or more of the following criteria: it is a conservative change, it occurs at a poorly conserved position in the protein, it is predicted to be benign by multiple in silico algorithms, and/or has population frequency not consistent with disease.

NM_000719.7(CACNA1C):c.426G>A (p.Ala142=)

Gene: CACNA1C (calcium voltage-gated channel subunit alpha1 C; plus strand). Cytogenetic location: 12p13.33.
Variant type: single nucleotide variant.
Coding change: c.426G>A on transcript NM_000719.7 (MANE Select); coding-DNA position 426, G replaced by A.
Protein change: p.Ala142=; no amino-acid change (alanine 142 retained).
Molecular consequence: synonymous variant.
Genome position (GRCh38, 1-based): chr12:2,120,379, G>A. VCF-style: chr12-2120379-G-A. GRCh37 (hg19) VCF-style: chr12-2229545-G-A.
Other names: p.A142A:GCG>GCA; c.426G>A, p.Ala142= (NM_001129844.2, NM_001129846.2, NM_001167623.2 and 19 more transcripts).
Identifiers: ClinVar variation 136643 (VCV000136643.30), dbSNP rs546786746, ClinGen allele CA289928.